The following is an entry in ClinVar:

ClinVar aggregate classification (germline): Uncertain significance. Review status: criteria provided, multiple submitters, no conflicts (2 of 4 stars). 2 submissions from 2 submitters: Uncertain significance (2). Last evaluated 2026-01-20.

Conditions:
FOXC2-related disorder. Also called: FOXC2-related condition.
Inborn genetic diseases. Identifiers: MedGen C0950123, MeSH D030342.

gnomAD v4.1: 3 of 1,344,802 alleles (0.00022%); highest among the groups gnomAD compares: Non-Finnish European, 0.00028%; no homozygotes.

Submissions (2):

PreventionGenetics, part of Exact Sciences
Classification: Uncertain significance for FOXC2-related condition. Last evaluated: 2026-01-20. Review status: criteria provided, single submitter. Criteria: ACMG Guidelines, 2015. Collection method: clinical testing. Allele origin: germline.
Comment: The FOXC2 c.812G>A variant is predicted to result in the amino acid substitution p.Ser271Asn. To our knowledge, this variant has not been reported in the literature or in a large population database (gnomAD), indicating this variant is rare. At this time, the clinical significance of this variant is uncertain due to the absence of conclusive functional and genetic evidence.

Ambry Genetics
Classification: Uncertain significance for Inborn genetic diseases. Last evaluated: 2025-09-26. Review status: criteria provided, single submitter. Criteria: Ambry Variant Classification Scheme 2023. Collection method: clinical testing. Allele origin: germline.

NM_005251.3(FOXC2):c.812G>A (p.Ser271Asn)

Gene: FOXC2 (forkhead box C2; plus strand). Cytogenetic location: 16q24.1.
Variant type: single nucleotide variant.
Coding change: c.812G>A on transcript NM_005251.3 (MANE Select); coding-DNA position 812, G replaced by A.
Protein change: p.Ser271Asn; replaces serine 271 with asparagine.
Molecular consequence: missense variant.
Genome position (GRCh38, 1-based): chr16:86,568,147, G>A. VCF-style: chr16-86568147-G-A. GRCh37 (hg19) VCF-style: chr16-86601753-G-A.
Other names: short protein forms S271N.
Identifiers: ClinVar variation 4620208 (VCV004620208.2).
Genomic context (GRCh38, chr16:86,568,147, plus strand): 5'-CCCCCGACGGCTCGCTGCCGGAGCACCACGCCGCGGCGCCCAACGGGCTGCCTGGCTTCA[G>A]CGTGGAGAACATCATGACCCTGCGAACGTCGCCGCCGGGCGGAGAGCTGAGCCCGGGGGC-3'
Protein context (NP_005242.1, residues 261-281): AAAPNGLPGF[Ser271Asn]VENIMTLRTS